The following is an entry in ClinVar:

ClinVar aggregate classification (germline): Uncertain significance (1 of 4 stars; one submission).

Conditions:
Fanconi anemia (FA). Also called: Fanconi's anemia. Identifiers: Orphanet 84, MedGen C0015625, MeSH D005199, MONDO:0019391.

gnomAD v4.1: 1 of 1,614,170 alleles (0.000062%); no homozygotes.

Submission:

Labcorp Genetics (formerly Invitae), Labcorp
Classification: Uncertain significance for Fanconi anemia. Last evaluated: 2021-10-28. Review status: criteria provided, single submitter. Criteria: Invitae Variant Classification Sherloc (09022015). Collection method: clinical testing. Allele origin: germline.
Comment: In summary, the available evidence is currently insufficient to determine the role of this variant in disease. Therefore, it has been classified as a Variant of Uncertain Significance. Advanced modeling of protein sequence and biophysical properties (such as structural, functional, and spatial information, amino acid conservation, physicochemical variation, residue mobility, and thermodynamic stability) performed at Invitae indicates that this missense variant is not expected to disrupt FANCA protein function. This variant has not been reported in the literature in individuals affected with FANCA-related conditions. This variant is not present in population databases (gnomAD no frequency). This sequence change replaces alanine, which is neutral and non-polar, with proline, which is neutral and non-polar, at codon 1380 of the FANCA protein (p.Ala1380Pro).

NM_000135.4(FANCA):c.4138G>C (p.Ala1380Pro)

Genes: FANCA (FA complementation group A; minus strand), ZNF276 (zinc finger protein 276; plus strand). Cytogenetic location: 16q24.3.
Variant type: single nucleotide variant.
Coding change: c.4138G>C on transcript NM_000135.4 (MANE Select); coding-DNA position 4138, G replaced by C.
Protein change: p.Ala1380Pro; replaces alanine 1380 with proline.
Molecular consequence: missense variant. On other transcripts: 3 prime UTR variant (2), non-coding transcript variant (4).
Genome position (GRCh38, 1-based): chr16:89,739,162, C>G on the plus strand (G>C on the coding strand, the complement: FANCA is on the minus strand). VCF-style: chr16-89739162-C-G. GRCh37 (hg19) VCF-style: chr16-89805570-C-G.
Other names: c.4138G>C, p.Ala1380Pro (NM_001286167.3); c.*916C>G (NM_001113525.2, NM_152287.4); short protein forms A1380P.
Identifiers: ClinVar variation 1407139 (VCV001407139.6), dbSNP rs775234845, ClinGen allele CA397484312.